The following is an entry in ClinVar:

ClinVar aggregate classification (germline): Uncertain significance (1 of 4 stars; one submission).

Submission:

GeneDx
Classification: Uncertain significance. Last evaluated: 2025-03-03. Review status: criteria provided, single submitter. Criteria: GeneDx Variant Classification Process June 2021. Collection method: clinical testing. Allele origin: germline. Affected: yes.
Comment: Not observed at significant frequency in large population cohorts (gnomAD); In silico analysis supports that this missense variant has a deleterious effect on protein structure/function; Has not been previously published as pathogenic or benign to our knowledge

NM_001378454.1(ALMS1):c.5443T>C (p.Ser1815Pro)

Gene: ALMS1 (ALMS1 centrosome and basal body associated protein; plus strand). Cytogenetic location: 2p13.1.
Variant type: single nucleotide variant.
Coding change: c.5443T>C on transcript NM_001378454.1 (MANE Select); coding-DNA position 5443, T replaced by C.
Protein change: p.Ser1815Pro; replaces serine 1815 with proline.
Molecular consequence: missense variant.
Genome position (GRCh38, 1-based): chr2:73,451,970, T>C. VCF-style: chr2-73451970-T-C. GRCh37 (hg19) VCF-style: chr2-73679097-T-C.
Other names: c.5446T>C, p.Ser1816Pro (NM_015120.4); short protein forms S1815P, S1816P.
Identifiers: ClinVar variation 4083432 (VCV004083432.1).